The following is an entry in ClinVar:

ClinVar aggregate classification (germline): Uncertain significance (1 of 4 stars; one submission).

Conditions:
Autosomal dominant hypocalcemia 1 (HYPOC1). Also called: HYPOCALCEMIA, FAMILIAL. Identifiers: MedGen C3715128, MONDO:0011013, OMIM 601198.
Familial hypocalciuric hypercalcemia (FHH). Also called: Familial benign hypercalcemia. Identifiers: Orphanet 405, MedGen C1809471, MONDO:0018458.

Submission:

Labcorp Genetics (formerly Invitae), Labcorp
Classification: Uncertain significance for Familial hypocalciuric hypercalcemia; Autosomal dominant hypocalcemia 1. Last evaluated: 2024-06-25. Review status: criteria provided, single submitter. Criteria: Invitae Variant Classification Sherloc (09022015). Collection method: clinical testing. Allele origin: germline.
Comment: This sequence change replaces leucine, which is neutral and non-polar, with proline, which is neutral and non-polar, at codon 322 of the CASR protein (p.Leu322Pro). This variant is not present in population databases (gnomAD no frequency). This missense change has been observed in individual(s) with hypocalcemia (PMID: 32386559). An algorithm developed to predict the effect of missense changes on protein structure and function (PolyPhen-2) suggests that this variant is likely to be disruptive. Experimental studies have shown that this missense change affects CASR function (PMID: 32386559). In summary, the available evidence is currently insufficient to determine the role of this variant in disease. Therefore, it has been classified as a Variant of Uncertain Significance.

Literature cited by the submitters: PubMed 32386559.

NM_000388.4(CASR):c.965T>C (p.Leu322Pro)

Gene: CASR (calcium sensing receptor; plus strand). Cytogenetic location: 3q21.1.
Variant type: single nucleotide variant.
Coding change: c.965T>C on transcript NM_000388.4 (MANE Select); coding-DNA position 965, T replaced by C.
Protein change: p.Leu322Pro; replaces leucine 322 with proline.
Molecular consequence: missense variant.
Genome position (GRCh38, 1-based): chr3:122,262,000, T>C. VCF-style: chr3-122262000-T-C. GRCh37 (hg19) VCF-style: chr3-121980847-T-C.
Other names: c.965T>C, p.Leu322Pro (NM_001178065.2); short protein forms L322P.
Identifiers: ClinVar variation 3763451 (VCV003763451.2).